The following is an entry in ClinVar:

NM_002890.3(RASA1):c.1567A>G (p.Ser523Gly)

Genes: CCNH (cyclin H; minus strand), RASA1 (RAS p21 protein activator 1; plus strand). Cytogenetic location: 5q14.3.
Variant type: single nucleotide variant.
Coding change: c.1567A>G on transcript NM_002890.3 (MANE Select); coding-DNA position 1567, A replaced by G.
Protein change: p.Ser523Gly; replaces serine 523 with glycine.
Molecular consequence: missense variant. On other transcripts: intron variant (1).
Genome position (GRCh38, 1-based): chr5:87,363,461, A>G. VCF-style: chr5-87363461-A-G. GRCh37 (hg19) VCF-style: chr5-86659278-A-G.
Other names: c.1036A>G, p.Ser346Gly (NM_022650.3); c.933+31583T>C (NM_001364075.2); short protein forms S346G, S523G.
Identifiers: ClinVar variation 852098 (VCV000852098.11), dbSNP rs1027587049, ClinGen allele CA121800828.
Genomic context (GRCh38, chr5:87,363,461, plus strand): 5'-CAACTTATTTATTTTGAAAGCGAAAAACGAGCTACCAAACCAAAAGGATTAATAGATCTC[A>G]GTGTATGTTCTGTCTATGTCGTTCATGATAGTCTCTTTGGCAGGTAAGAGACTGGTTTCC-3'
Protein context (NP_002881.1, residues 513-533): ATKPKGLIDL[Ser523Gly]VCSVYVVHDS

ClinVar aggregate classification (germline): Uncertain significance. Review status: criteria provided, multiple submitters, no conflicts (2 of 4 stars). 2 submissions from 2 submitters: Uncertain significance (2). Last evaluated 2024-03-01.

Conditions:
Capillary malformation-arteriovenous malformation syndrome. Also called: Capillary malformation-arteriovenous malformation. Identifiers: Orphanet 137667, MedGen C1842180, MONDO:0012016.
Cardiovascular phenotype. Identifiers: MedGen CN230736.

Allele frequency attached by ClinVar (database versions not stated): gnomAD exomes 0.00001 and below 0.00001; TOPMed below 0.00001.

Submissions (2):

Ambry Genetics
Classification: Uncertain significance for Cardiovascular phenotype. Last evaluated: 2024-03-01. Review status: criteria provided, single submitter. Criteria: Ambry Variant Classification Scheme 2023. Collection method: clinical testing. Allele origin: germline.
Comment: The p.S523G variant (also known as c.1567A>G), located in coding exon 11 of the RASA1 gene, results from an A to G substitution at nucleotide position 1567. The serine at codon 523 is replaced by glycine, an amino acid with similar properties. This amino acid position is conserved. In addition, the in silico prediction for this alteration is inconclusive. Based on the available evidence, the clinical significance of this alteration remains unclear.

Labcorp Genetics (formerly Invitae), Labcorp
Classification: Uncertain significance for Capillary malformation-arteriovenous malformation syndrome. Last evaluated: 2021-04-04. Review status: criteria provided, single submitter. Criteria: Invitae Variant Classification Sherloc (09022015). Collection method: clinical testing. Allele origin: germline.
Comment: In summary, the available evidence is currently insufficient to determine the role of this variant in disease. Therefore, it has been classified as a Variant of Uncertain Significance. Algorithms developed to predict the effect of missense changes on protein structure and function are either unavailable or do not agree on the potential impact of this missense change (SIFT: "Tolerated"; PolyPhen-2: "Probably Damaging"; Align-GVGD: "Class C0"). This variant has not been reported in the literature in individuals with RASA1-related conditions. This variant is not present in population databases (ExAC no frequency). This sequence change replaces serine with glycine at codon 523 of the RASA1 protein (p.Ser523Gly). The serine residue is highly conserved and there is a small physicochemical difference between serine and glycine.